The following is an entry in ClinVar:

ClinVar aggregate classification (germline): Uncertain significance (1 of 4 stars; one submission).

Allele frequency attached by ClinVar (database versions not stated): gnomAD exomes below 0.00001.

Submission:

Women's Health and Genetics/Laboratory Corporation of America, LabCorp
Classification: Uncertain significance. Last evaluated: 2022-03-29. Review status: criteria provided, single submitter. Criteria: LabCorp Variant Classification Summary - May 2015. Collection method: clinical testing. Allele origin: germline.
Comment: Variant summary: FECH c.502C>T (p.Pro168Ser) results in a non-conservative amino acid change in the encoded protein sequence. Five of five in-silico tools predict a damaging effect of the variant on protein function. The variant was absent in 251364 control chromosomes. c.502C>T has been reported in the literature in at least one individual affected with Erythropoietic Protoporphyria with palmar keratoderma. These data do not allow any conclusion about variant significance. At least one publication reports experimental evidence evaluating an impact on protein function. The most pronounced variant effect results in 10%-<30% of normal activity. No clinical diagnostic laboratories have submitted clinical-significance assessments for this variant to ClinVar after 2014. Based on the evidence outlined above, the variant was classified as VUS-possibly pathogenic.

Literature cited by the submitters: PubMed 18787536.

NM_000140.5(FECH):c.502C>T (p.Pro168Ser)

Gene: FECH (ferrochelatase; minus strand). Cytogenetic location: 18q21.31.
Variant type: single nucleotide variant.
Coding change: c.502C>T on transcript NM_000140.5 (MANE Select); coding-DNA position 502, C replaced by T.
Protein change: p.Pro168Ser; replaces proline 168 with serine.
Molecular consequence: missense variant.
Genome position (GRCh38, 1-based): chr18:57,566,543, G>A on the plus strand (C>T on the coding strand, the complement: FECH is on the minus strand). VCF-style: chr18-57566543-G-A. GRCh37 (hg19) VCF-style: chr18-55233775-G-A.
Other names: c.520C>T, p.Pro174Ser (NM_001012515.4); c.502C>T, p.Pro168Ser (NM_001371094.1, NM_001374778.1); c.286C>T, p.Pro96Ser (NM_001371095.1); short protein forms P168S, P174S, P96S.
Identifiers: ClinVar variation 1677211 (VCV001677211.1), dbSNP rs2122299647, ClinGen allele CA402536292.